The following is an entry in ClinVar:

NM_001184.4(ATR):c.5008C>G (p.Gln1670Glu)

Gene: ATR (ATR checkpoint kinase; minus strand). Cytogenetic location: 3q23.
Variant type: single nucleotide variant.
Coding change: c.5008C>G on transcript NM_001184.4 (MANE Select); coding-DNA position 5008, C replaced by G.
Protein change: p.Gln1670Glu; replaces glutamine 1670 with glutamic acid.
Molecular consequence: missense variant.
Genome position (GRCh38, 1-based): chr3:142,507,954, G>C on the plus strand (C>G on the coding strand, the complement: ATR is on the minus strand). VCF-style: chr3-142507954-G-C. GRCh37 (hg19) VCF-style: chr3-142226796-G-C.
Other names: c.4816C>G, p.Gln1606Glu (NM_001354579.2); short protein forms Q1606E, Q1670E.
Identifiers: ClinVar variation 2908622 (VCV002908622.3), dbSNP rs139135398, ClinGen allele CA2649708.
Genomic context (GRCh38, chr3:142,507,954, plus strand): 5'-AATTTTCATTATTAAATTCACTATATTAACTTCAGACCTGTAAAAATCCAAGATGTTCCT[G>C]AATATTTTGCTTCTTTTCTGTAATAAATGATTCAAAGTGCATTACAGCTCGTGTGTATGC-3'
Protein context (NP_001175.2, residues 1660-1680): SFITEKKQNI[Gln1670Glu]EHLGFLQKLY

ClinVar aggregate classification (germline): Uncertain significance (1 of 4 stars; one submission).

Allele frequency attached by ClinVar (database versions not stated): gnomAD exomes below 0.00001; ExAC 0.00001; gnomAD 0.00001; ESP Exome Variant Server 0.00008.

Submission:

Labcorp Genetics (formerly Invitae), Labcorp
Classification: Uncertain significance. Last evaluated: 2023-05-16. Review status: criteria provided, single submitter. Criteria: Invitae Variant Classification Sherloc (09022015). Collection method: clinical testing. Allele origin: germline.
Comment: In summary, the available evidence is currently insufficient to determine the role of this variant in disease. Therefore, it has been classified as a Variant of Uncertain Significance. An algorithm developed to predict the effect of missense changes on protein structure and function (PolyPhen-2) suggests that this variant is likely to be tolerated. This variant has not been reported in the literature in individuals affected with ATR-related conditions. This variant is present in population databases (rs139135398, gnomAD 0.007%). This sequence change replaces glutamine, which is neutral and polar, with glutamic acid, which is acidic and polar, at codon 1670 of the ATR protein (p.Gln1670Glu).